The following is an entry in ClinVar:

NM_004208.4(AIFM1):c.597A>C (p.Lys199Asn)

Genes: RAB33A (RAB33A, member RAS oncogene family; plus strand), AIFM1 (apoptosis inducing factor mitochondria associated 1; minus strand). Cytogenetic location: Xq26.1.
Variant type: single nucleotide variant.
Coding change: c.597A>C on transcript NM_004208.4 (MANE Select); coding-DNA position 597, A replaced by C.
Protein change: p.Lys199Asn; replaces lysine 199 with asparagine.
Molecular consequence: missense variant. On other transcripts: non-coding transcript variant (1).
Genome position (GRCh38, 1-based): chrX:130,147,501, T>G on the plus strand (A>C on the coding strand, the complement: AIFM1 is on the minus strand). VCF-style: chrX-130147501-T-G. GRCh37 (hg19) VCF-style: chrX-129281476-T-G.
Other names: c.597A>C, p.Lys199Asn (NM_001130847.4); c.585A>C, p.Lys195Asn (NM_145812.3); short protein forms K199N, K195N.
Identifiers: ClinVar variation 477607 (VCV000477607.13), dbSNP rs143670174, ClinGen allele CA10515432.

ClinVar aggregate classification (germline): Likely benign. Review status: criteria provided, multiple submitters, no conflicts (2 of 4 stars). 4 submissions from 4 submitters: Likely benign (4). Last evaluated 2026-05-17.

Conditions:
Inborn genetic diseases. Identifiers: MedGen C0950123, MeSH D030342.
AIFM1-related disorder. Also called: AIFM1-related condition.
Charcot-Marie-Tooth Neuropathy X. Identifiers: MedGen CN118851.
Combined oxidative phosphorylation deficiency. Identifiers: MedGen C4540031, MONDO:0000732.

Allele frequency attached by ClinVar (database versions not stated): TOPMed 0.00005; ESP Exome Variant Server 0.00009.
gnomAD v4.1: 202 of 1,210,371 alleles (0.017%); highest among the groups gnomAD compares: Non-Finnish European, 0.022%; no homozygotes.

Submissions (4):

PreventionGenetics, part of Exact Sciences
Classification: Likely benign for AIFM1-related condition. Last evaluated: 2026-05-17. Review status: criteria provided, single submitter. Criteria: ACMG Guidelines, 2015. Collection method: clinical testing. Allele origin: germline.
Comment: This variant is classified as likely benign based on ACMG/AMP sequence variant interpretation guidelines (Richards et al. 2015 PMID: 25741868, with internal and published modifications).

Women's Health and Genetics/Laboratory Corporation of America, LabCorp
Classification: Likely benign. Last evaluated: 2025-10-29. Review status: criteria provided, single submitter. Criteria: LabCorp Variant Classification Summary - May 2015. Collection method: clinical testing. Allele origin: germline.
Comment: Variant summary: AIFM1 c.597A>C (p.Lys199Asn) results in a non-conservative amino acid change in the encoded protein sequence. Algorithms developed to predict the effect of missense changes on protein structure and function are either unavailable or do not agree on the potential impact of this missense change. The variant allele was found at a frequency of 3.8e-05 in 183435 control chromosomes (gnomAD v2). A total of 58 hemizygotes of this variant was found in the gnomAD v4 database. To our knowledge, no occurrence of c.597A>C in individuals affected with AIFM1-related conditions and no experimental evidence demonstrating its impact on protein function have been reported. ClinVar contains an entry for this variant (Variation ID: 477607). Based on the evidence outlined above, the variant was classified as likely benign.

Labcorp Genetics (formerly Invitae), Labcorp
Classification: Likely benign for Charcot-Marie-Tooth Neuropathy X; Combined oxidative phosphorylation deficiency. Last evaluated: 2025-10-21. Review status: criteria provided, single submitter. Criteria: Invitae Variant Classification Sherloc (09022015). Collection method: clinical testing. Allele origin: germline.

Ambry Genetics
Classification: Likely benign for Inborn genetic diseases. Last evaluated: 2022-03-14. Review status: criteria provided, single submitter. Criteria: Ambry Variant Classification Scheme 2023. Collection method: clinical testing. Allele origin: germline.